The following is an entry in ClinVar:

NM_000059.4(BRCA2):c.4127_4130del (p.Gly1376fs)

Gene: BRCA2 (BRCA2 DNA repair associated; plus strand). Cytogenetic location: 13q13.1.
Variant type: Deletion.
Coding change: c.4127_4130del on transcript NM_000059.4 (MANE Select); coding-DNA positions 4127 to 4130, 4 bases deleted (GAAA; older notation c.4127_4130delGAAA).
Protein change: p.Gly1376fs; shifts the reading frame from glycine 1376.
Molecular consequence: frameshift variant.
Genome position (GRCh38, 1-based): chr13:32,338,482-32,338,485, GAAA deleted. VCF-style (leftmost placement, unchanged base first): chr13-32338481-GGAAA-G. GRCh37 (hg19) VCF-style: chr13-32912618-GGAAA-G.
Other names: 4355del4; c.4127_4130delGAAA (NM_000059.3).
Identifiers: ClinVar variation 37880 (VCV000037880.35), dbSNP rs397507323, ClinGen allele CA019561.

ClinVar aggregate classification (germline): Pathogenic. Review status: reviewed by expert panel (3 of 4 stars). 15 submissions from 15 submitters: Pathogenic (1). 14 of the submissions do not count toward it. Last evaluated 2016-09-08.

Conditions:
Pancreatic cancer, susceptibility to, 2. Identifiers: Orphanet 1333, MedGen C3150546, MONDO:0013235, OMIM 613347.
Glioma susceptibility 3 (GLM3). Also called: Glioblastoma 3. Identifiers: Orphanet 182067, Orphanet 360, MedGen C2751641, MONDO:0013093, OMIM 613029.
Familial prostate cancer. Also called: Hereditary Prostate Cancer. Identifiers: MedGen C2931456, MONDO:0700275, OMIM 176807.
Breast-ovarian cancer, familial, susceptibility to, 2 (BROVCA2). Also called: BRCA2 Hereditary Breast and Ovarian Cancer. Identifiers: Orphanet 145, MedGen C2675520, MONDO:0012933, OMIM 612555. Disease mechanism: loss of function.
Fanconi anemia complementation group D1. Also called: BRCA2-Related Fanconi Anemia. Identifiers: Orphanet 319462, MedGen C1838457, MONDO:0011584, OMIM 605724.
Medulloblastoma (MDB). Also called: Medulloblastoma, somatic; MEDULLOBLASTOMA PREDISPOSITION SYNDROME. Identifiers: Orphanet 616, MedGen C0025149, MeSH D008527, MONDO:0007959, OMIM 155255, HP:0002885.
Wilms tumor 1 (WT1). Also called: Wilms tumor, somatic. Identifiers: Orphanet 654, MedGen CN033288, MONDO:0008679, OMIM 194070.
Familial cancer of breast. Also called: BREAST CANCER, FAMILIAL; hereditary breast carcinoma; Hereditary breast cancer. Identifiers: Orphanet 227535, MedGen C0346153, MONDO:0016419, OMIM 114480. Disease mechanism: loss of function.
Hereditary cancer-predisposing syndrome. Also called: Neoplastic Syndromes, Hereditary; Tumor predisposition; Hereditary Cancer Syndrome; Hereditary neoplastic syndrome. Identifiers: Orphanet 140162, MedGen C0027672, MeSH D009386, MONDO:0015356.
Hereditary breast ovarian cancer syndrome. Also called: Breast and ovarian cancer; Hereditary breast and ovarian cancer; Hereditary breast and ovarian cancer syndrome (HBOC); Hereditary breast and ovarian cancer syndrome; BRCA1- and BRCA2-Associated Hereditary Breast and Ovarian Cancer; Hereditary breast and/or ovarian cancer syndrome. Identifiers: Orphanet 145, MedGen C0677776, MeSH D061325, MONDO:0003582. Disease mechanism: loss of function.

Submissions (15):

Evidence-based Network for the Interpretation of Germline Mutant Alleles (ENIGMA)
Classification: Pathogenic for Breast-ovarian cancer, familial, susceptibility to, 2. Last evaluated: 2016-09-08. Review status: reviewed by expert panel. Criteria: ENIGMA BRCA1/2 Classification Criteria (2015). Collection method: curation. Allele origin: germline.
Comment: Variant allele predicted to encode a truncated non-functional protein.

Color Diagnostics, LLC DBA Color Health
Classification: Pathogenic for Hereditary cancer-predisposing syndrome. Last evaluated: 2025-09-05. Review status: criteria provided, single submitter. Criteria: ACMG Guidelines, 2015. Collection method: clinical testing. Allele origin: germline. Not counted in ClinVar's aggregate classification.
Comment: This variant deletes 4 nucleotides in exon 11 of the BRCA2 gene, creating a frameshift and premature translation stop signal. This variant is expected to result in an absent or non-functional protein product. This variant has been reported in an individual affected with breast cancer (PMID: 25428789) and in four suspected hereditary breast and ovarian cancer families (PMID: 29446198). A multifactorial analysis has reached a combined likelihood ratio (LR) of 1.784 based on reported LR for co-occurrence with a pathogenic variant and personal and family history for 3 carriers (PMID: 31853058). This variant has not been identified in the general population by the Genome Aggregation Database (gnomAD). Loss of BRCA2 function is a known mechanism of disease. Based on the available evidence, this variant is classified as Pathogenic.

Labcorp Genetics (formerly Invitae), Labcorp
Classification: Pathogenic for Hereditary breast ovarian cancer syndrome. Last evaluated: 2025-08-18. Review status: criteria provided, single submitter. Criteria: Invitae Variant Classification Sherloc (09022015). Collection method: clinical testing. Allele origin: germline. Not counted in ClinVar's aggregate classification.
Comment: This sequence change creates a premature translational stop signal (p.Gly1376Alafs*11) in the BRCA2 gene. It is expected to result in an absent or disrupted protein product. Loss-of-function variants in BRCA2 are known to be pathogenic (PMID: 20104584). This variant is not present in population databases (gnomAD no frequency). This premature translational stop signal has been observed in individual(s) with breast cancer (PMID: 25428789). This variant is also known as 4355del4. ClinVar contains an entry for this variant (Variation ID: 37880). For these reasons, this variant has been classified as Pathogenic.

Ambry Genetics
Classification: Pathogenic for Hereditary cancer-predisposing syndrome. Last evaluated: 2025-07-30. Review status: criteria provided, single submitter. Criteria: Ambry Variant Classification Scheme 2023. Collection method: clinical testing. Allele origin: germline. Not counted in ClinVar's aggregate classification.
Comment: The c.4127_4130delGAAA pathogenic mutation, located in coding exon 10 of the BRCA2 gene, results from a deletion of 4 nucleotides at nucleotide positions 4127 to 4130, causing a translational frameshift with a predicted alternate stop codon (p.G1376Afs*11). This variant was reported in at least one individual amongst a cohort of African American patients with personal and/or family history of breast and/or ovarian cancer (Churpek JE et al. Breast Cancer Res Treat, 2015 Jan;149:31-9). This variant is considered to be rare based on population cohorts in the Genome Aggregation Database (gnomAD). This alteration is expected to result in loss of function by premature protein truncation or nonsense-mediated mRNA decay. As such, this alteration is interpreted as a disease-causing mutation.

GeneDx
Classification: Pathogenic. Last evaluated: 2025-04-20. Review status: criteria provided, single submitter. Criteria: GeneDx Variant Classification Process June 2021. Collection method: clinical testing. Allele origin: germline. Affected: yes. Not counted in ClinVar's aggregate classification.
Comment: Frameshift variant predicted to result in protein truncation or nonsense mediated decay in a gene for which loss of function is a known mechanism of disease; Not observed at significant frequency in large population cohorts (gnomAD); Truncating variants in this gene are considered pathogenic by a well-established clinical consortium and/or database; Also known as 4355_4358del; This variant is associated with the following publications: (PMID: 32832836, 30787465, 25428789, 29446198, 28783718)

Quest Diagnostics Nichols Institute San Juan Capistrano
Classification: Pathogenic. Last evaluated: 2024-11-17. Review status: criteria provided, single submitter. Criteria: Quest Diagnostics criteria. Collection method: clinical testing. Allele origin: unknown. Not counted in ClinVar's aggregate classification.
Comment: The BRCA2 c.4127_4130del (p.Gly1376Alafs*11) variant alters the translational reading frame of the BRCA2 mRNA and causes the premature termination of BRCA2 protein synthesis. This variant has been reported in the published literature in an individual with breast cancer (PMID: 25428789 (2015)). This variant has also been reported in a worldwide screen of families with BRCA1/2 mutations (PMID: 29446198 (2018)). This variant has not been reported in large, multi-ethnic general populations (Genome Aggregation Database). Based on the available information, this variant is classified as pathogenic.

Fulgent Genetics
Classification: Pathogenic for Familial cancer of breast; Medulloblastoma; Familial prostate cancer; Wilms tumor 1; Fanconi anemia complementation group D1; Breast-ovarian cancer, familial, susceptibility to, 2; Glioma susceptibility 3; Pancreatic cancer, susceptibility to, 2. Last evaluated: 2024-04-26. Review status: criteria provided, single submitter. Criteria: ACMG Guidelines, 2015. Collection method: clinical testing. Allele origin: germline. Not counted in ClinVar's aggregate classification.

Women's Health and Genetics/Laboratory Corporation of America, LabCorp
Classification: Pathogenic for Hereditary breast ovarian cancer syndrome. Last evaluated: 2022-09-12. Review status: criteria provided, single submitter. Criteria: LabCorp Variant Classification Summary - May 2015. Collection method: clinical testing. Allele origin: germline. Not counted in ClinVar's aggregate classification.
Comment: Variant summary: BRCA2 c.4127_4130delGAAA (p.Gly1376AlafsX11) results in a premature termination codon, predicted to cause a truncation of the encoded protein or absence of the protein due to nonsense mediated decay, which are commonly known mechanisms for disease. Truncations downstream of this position have been classified as pathogenic by our laboratory. The variant was absent in 245922 control chromosomes (gnomAD). c.4127_4130delGAAA has been reported in the literature in individuals affected with Hereditary Breast And Ovarian Cancer Syndrome (examples: Churpek_2015 and Rebbeck_2018). These data indicate that the variant is very likely to be associated with disease. Nine submitters have provided clinical significance assessments for this variant after 2014 and classified the variant as pathogenic/likely pathogenic. Based on the evidence outlined above, the variant was classified as pathogenic.

Sema4
Classification: Pathogenic for Hereditary cancer-predisposing syndrome. Last evaluated: 2022-01-12. Review status: criteria provided, single submitter. Criteria: Sema4 Curation Guidelines. Collection method: curation. Allele origin: germline. Not counted in ClinVar's aggregate classification.
Comment: The BRCA2 c.4127_4130delGAAA (p.G1376AfsX11) variant has been reported in heterozygosity in at least 5 individuals with breast cancer and/or ovarian cancer (PMID: 29446198, 28783718). This variant is also known as 4355del4 in the literature. This variant causes a frameshift at amino acid 1376 that results in premature termination 11 amino acids downstream. This alteration is expected to result in loss of function by premature protein truncation or nonsense-mediated mRNA decay. Loss of function variants in BRCA2 are known to be pathogenic (PMID: 29446198). This variant is not reported in the population database Genome Aggregation Database (PMID: 32461654). This variant has been reported in ClinVar (Variation ID: 37880). Based on the current evidence available, this variant is interpreted as pathogenic.

Baylor Genetics
Classification: Pathogenic for Familial cancer of breast. Last evaluated: 2021-09-22. Review status: criteria provided, single submitter. Criteria: ACMG Guidelines, 2015. Collection method: clinical testing. Allele origin: unknown. Not counted in ClinVar's aggregate classification.

Revvity Omics, Revvity
Classification: Pathogenic. Last evaluated: 2019-09-11. Review status: criteria provided, single submitter. Criteria: ACMG Guidelines, 2015. Collection method: clinical testing. Allele origin: germline. Not counted in ClinVar's aggregate classification.

Consortium of Investigators of Modifiers of BRCA1/2 (CIMBA), c/o University of Cambridge
Classification: Pathogenic for Breast-ovarian cancer, familial, susceptibility to, 2. Last evaluated: 2015-10-02. Review status: criteria provided, single submitter. Criteria: CIMBA Mutation Classification guidelines May 2016. Collection method: clinical testing. Allele origin: germline. Not counted in ClinVar's aggregate classification.

Counsyl
Classification: Likely pathogenic for Breast-ovarian cancer, familial, susceptibility to, 2. Last evaluated: 2016-04-15. Review status: no assertion criteria provided. Collection method: clinical testing. Allele origin: unknown. Not counted in ClinVar's aggregate classification.

Research Molecular Genetics Laboratory, Women's College Hospital, University of Toronto
Classification: Pathogenic for Hereditary breast ovarian cancer syndrome. Last evaluated: 2014-01-31. Review status: no assertion criteria provided. Collection method: research. Allele origin: germline. Affected: yes. Study: The Canadian Open Genetics Repository (COGR). Not counted in ClinVar's aggregate classification.

Sharing Clinical Reports Project (SCRP)
Classification: Pathogenic for Breast-ovarian cancer, familial 2. Last evaluated: 2012-04-25. Review status: no assertion criteria provided. Collection method: clinical testing. Allele origin: germline. Not counted in ClinVar's aggregate classification.

Literature cited by the submitters: PubMed 25428789 (cited by 6 submitters); PubMed 29446198 (cited by 4 submitters); PubMed 31853058 (cited by Color Diagnostics, LLC DBA Color Health and Quest Diagnostics Nichols Institute San Juan Capistrano); PubMed 20104584 (cited by Labcorp Genetics (formerly Invitae), Labcorp); PubMed 32832836 (cited by Quest Diagnostics Nichols Institute San Juan Capistrano); PubMed 28783718 (cited by Sema4).